The following is an entry in ClinVar:

NM_000096.4(CP):c.1505_1506dup (p.Pro503fs)

Gene: CP (ceruloplasmin; minus strand). Cytogenetic location: 3q24.
Variant type: Microsatellite.
Coding change: c.1505_1506dup on transcript NM_000096.4 (MANE Select); coding-DNA positions 1505 to 1506, 2 bases duplicated (TG; older notation c.1505_1506dupTG).
Protein change: p.Pro503fs; shifts the reading frame from proline 503.
Molecular consequence: frameshift variant. On other transcripts: non-coding transcript variant (1).
Genome position (GRCh38, 1-based): chr3:149,198,574-149,198,575, CA duplicated on the plus strand (TG on the coding strand, the reverse complement: CP is on the minus strand); duplicating any 2 consecutive bases within chr3:149,198,574-149,198,578 gives the same sequence; the c. name uses the placement nearest the transcript's 3' end. VCF-style (leftmost placement, unchanged base first): chr3-149198573-G-GCA. GRCh37 (hg19) VCF-style: chr3-148916360-G-GCA.
Other names: short protein forms P503fs.
Identifiers: ClinVar variation 532017 (VCV000532017.6), dbSNP rs1553761391, ClinGen allele CA658796388.

ClinVar aggregate classification (germline): Pathogenic (1 of 4 stars; one submission).

Conditions:
Deficiency of ferroxidase (ACEP). Also called: Aceruloplasminemia; Ceruloplasmin deficiency; Familial apoceruloplasmin deficiency; Hereditary ceruloplasmin deficiency; NEURODEGENERATION WITH BRAIN IRON ACCUMULATION 10; Deficiency of ceruloplasmin. Identifiers: Orphanet 48818, MedGen C0878682, MONDO:0011426, OMIM 604290, HP:0025498.

Submission:

Labcorp Genetics (formerly Invitae), Labcorp
Classification: Pathogenic for Deficiency of ferroxidase. Last evaluated: 2023-03-31. Review status: criteria provided, single submitter. Criteria: Invitae Variant Classification Sherloc (09022015). Collection method: clinical testing. Allele origin: germline.
Comment: This sequence change creates a premature translational stop signal (p.Pro503Cysfs*24) in the CP gene. It is expected to result in an absent or disrupted protein product. Loss-of-function variants in CP are known to be pathogenic (PMID: 16629161). This variant is not present in population databases (gnomAD no frequency). This variant has not been reported in the literature in individuals affected with CP-related conditions. For these reasons, this variant has been classified as Pathogenic.

Literature cited by the submitters: PubMed 16629161.